The following is an entry in ClinVar:

ClinVar aggregate classification (germline): Uncertain significance. Review status: criteria provided, multiple submitters, no conflicts (2 of 4 stars). 2 submissions from 2 submitters: Uncertain significance (2). Last evaluated 2026-01-24.

Conditions:
Supravalvar aortic stenosis (SVAS). Also called: Supravalvar aortic stenosis, Eisenberg type. Identifiers: Orphanet 3193, MedGen C0003499, MONDO:0008504, OMIM 185500, HP:0004381.

Allele frequency attached by ClinVar (database versions not stated): ExAC 0.00001; gnomAD 0.00001; gnomAD exomes 0.00001; TOPMed 0.00001.
gnomAD v4.1: 19 of 1,611,184 alleles (0.0012%); highest among the groups gnomAD compares: Middle Eastern, 0.016%; no homozygotes.

Submissions (2):

Labcorp Genetics (formerly Invitae), Labcorp
Classification: Uncertain significance for Supravalvar aortic stenosis. Last evaluated: 2026-01-24. Review status: criteria provided, single submitter. Criteria: Invitae Variant Classification Sherloc (09022015). Collection method: clinical testing. Allele origin: germline.
Comment: This sequence change replaces arginine, which is basic and polar, with tryptophan, which is neutral and slightly polar, at codon 10 of the ELN protein (p.Arg10Trp). This variant is present in population databases (rs782223292, gnomAD 0.005%). This variant has not been reported in the literature in individuals affected with ELN-related conditions. ClinVar contains an entry for this variant (Variation ID: 2498057). Invitae Evidence Modeling of protein sequence and biophysical properties (such as structural, functional, and spatial information, amino acid conservation, physicochemical variation, residue mobility, and thermodynamic stability) indicates that this missense variant is not expected to disrupt ELN protein function with a negative predictive value of 80%. In summary, the available evidence is currently insufficient to determine the role of this variant in disease. Therefore, it has been classified as a Variant of Uncertain Significance.

GeneDx
Classification: Uncertain significance. Last evaluated: 2022-10-06. Review status: criteria provided, single submitter. Criteria: GeneDx Variant Classification Process June 2021. Collection method: clinical testing. Allele origin: germline. Affected: yes.
Comment: Not observed at significant frequency in large population cohorts (gnomAD); In silico analysis supports that this missense variant has a deleterious effect on protein structure/function; Has not been previously published as pathogenic or benign to our knowledge

NM_000501.4(ELN):c.28C>T (p.Arg10Trp)

Gene: ELN (elastin; plus strand). Cytogenetic location: 7q11.23.
Variant type: single nucleotide variant.
Coding change: c.28C>T on transcript NM_000501.4 (MANE Select); coding-DNA position 28, C replaced by T.
Protein change: p.Arg10Trp; replaces arginine 10 with tryptophan.
Molecular consequence: missense variant.
Genome position (GRCh38, 1-based): chr7:74,028,215, C>T. VCF-style: chr7-74028215-C-T. GRCh37 (hg19) VCF-style: chr7-73442545-C-T.
Other names: c.28C>T, p.Arg10Trp (NM_001081752.3, NM_001081753.3, NM_001081754.3 and 9 more transcripts); short protein forms R10W.
Identifiers: ClinVar variation 2498057 (VCV002498057.3), dbSNP rs782223292, ClinGen allele CA4292217.
Genomic context (GRCh38, chr7:74,028,215, plus strand): 5'-TGCGGAGAGCGGGCTGGGGCATTTCTCCCCGAGATGGCGGGTCTGACGGCGGCGGCCCCG[C>T]GGCCCGGAGTCCTCCTGCTCCTGCTGTCCATCCTCCACCCCTCTCGGCCTGGAGGTAAGG-3'
Protein context (NP_000492.2, residues 1-20): MAGLTAAAP[Arg10Trp]PGVLLLLLSI